The following is an entry in ClinVar:

ClinVar aggregate classification (germline): Conflicting classifications of pathogenicity. Review status: criteria provided, conflicting classifications (1 of 4 stars). 6 submissions from 6 submitters: Uncertain significance (1); Likely benign (4). 1 of the submissions does not count toward it. Last evaluated 2025-09-16.

Conditions:
CACNA1C-related disorder. Also called: CACNA1C-related disorders; CACNA1C-related condition. Identifiers: MedGen CN381092, MONDO:0700321.
Cardiovascular phenotype. Identifiers: MedGen CN230736.
Long QT syndrome (LQTS). Identifiers: MedGen C0023976, MeSH D008133, MONDO:0002442. Disease mechanism: loss of function. Inheritance: Various modes of inheritance.

Allele frequency attached by ClinVar (database versions not stated): gnomAD 0.00003; 1000 Genomes Project 30x 0.00016; gnomAD exomes 0.00003; ExAC 0.00003; TOPMed 0.00005; 1000 Genomes Project 0.00020.
gnomAD v4.1: 55 of 1,613,858 alleles (0.0034%); highest among the groups gnomAD compares: African/African-American, 0.004%; no homozygotes.

Submissions (6):

Labcorp Genetics (formerly Invitae), Labcorp
Classification: Likely benign for Long QT syndrome. Last evaluated: 2025-09-16. Review status: criteria provided, single submitter. Criteria: Invitae Variant Classification Sherloc (09022015). Collection method: clinical testing. Allele origin: germline.

Blueprint Genetics
Classification: Likely benign. Last evaluated: 2024-06-12. Review status: criteria provided, single submitter. Criteria: ACMG Guidelines, 2015. Collection method: clinical testing. Allele origin: germline.

Ambry Genetics
Classification: Likely benign for Cardiovascular phenotype. Last evaluated: 2020-06-22. Review status: criteria provided, single submitter. Criteria: Ambry Variant Classification Scheme 2023. Collection method: clinical testing. Allele origin: germline.

GeneDx
Classification: Likely benign. Last evaluated: 2019-06-12. Review status: criteria provided, single submitter. Criteria: GeneDx Variant Classification Process June 2021. Collection method: clinical testing. Allele origin: germline. Affected: yes.

Eurofins Ntd Llc (ga)
Classification: Uncertain significance. Last evaluated: 2014-08-15. Review status: criteria provided, single submitter. Criteria: EGL Classification Definitions 2015. Collection method: clinical testing. Allele origin: germline. Observed: 1 variant allele, 1 heterozygote.

PreventionGenetics, part of Exact Sciences
Classification: Likely benign for CACNA1C-related condition. Last evaluated: 2019-12-20. Review status: no assertion criteria provided. Collection method: clinical testing. Allele origin: germline. Not counted in ClinVar's aggregate classification.
Comment: This variant is classified as likely benign based on ACMG/AMP sequence variant interpretation guidelines (Richards et al. 2015 PMID: 25741868, with internal and published modifications).

NM_000719.7(CACNA1C):c.5307C>T (p.Asn1769=)

Genes: CACNA1C (calcium voltage-gated channel subunit alpha1 C; plus strand), CACNA1C-AS1 (CACNA1C antisense RNA 1; minus strand). Cytogenetic location: 12p13.33.
Variant type: single nucleotide variant.
Coding change: c.5307C>T on transcript NM_000719.7 (MANE Select); coding-DNA position 5307, C replaced by T.
Protein change: p.Asn1769=; no amino-acid change (asparagine 1769 retained).
Molecular consequence: synonymous variant.
Genome position (GRCh38, 1-based): chr12:2,679,659, C>T. VCF-style: chr12-2679659-C-T. GRCh37 (hg19) VCF-style: chr12-2788825-C-T.
Other names: c.5451C>T, p.Asn1817= (NM_001129827.2, NM_199460.4); c.5430C>T, p.Asn1810= (NM_001129829.2); c.5307C>T, p.Asn1769= (NM_001129830.3, NM_001129840.2, NM_001129841.2 and 4 more transcripts); c.5391C>T, p.Asn1797= (NM_001129831.2); c.5367C>T, p.Asn1789= (NM_001129832.2); c.5364C>T, p.Asn1788= (NM_001129833.2, NM_001129834.2, NM_001129835.2); c.5358C>T, p.Asn1786= (NM_001129836.2); c.5331C>T, p.Asn1777= (NM_001129837.2, NM_001129838.2); and 3 more.
Identifiers: ClinVar variation 197455 (VCV000197455.24), dbSNP rs530924728, ClinGen allele CA245607.
Genomic context (GRCh38, chr12:2,679,659, plus strand): 5'-GGACTCCACCTTCACCCCGAGCAGCTACTCGTCCACCGGCTCCAACGCCAACATCAACAA[C>T]GCCAACAACACCGCCCTGGGTCGCCTCCCTCGCCCCGCCGGCTACCCCAGCACGGTCAGC-3'
Protein context (NP_000710.5, residues 1759-1779): SSTGSNANIN[Asn1769=]ANNTALGRLP